The following is an entry in ClinVar:

ClinVar aggregate classification (germline): Likely benign (1 of 4 stars; one submission).

Conditions:
TREX1-related disorder. Also called: TREX1-related condition; TREX1-related disorders. Identifiers: MedGen CN239414.

Submission:

PreventionGenetics, part of Exact Sciences
Classification: Likely benign for TREX1-related condition. Last evaluated: 2026-09-10. Review status: criteria provided, single submitter. Criteria: ACMG Guidelines, 2015. Collection method: clinical testing. Allele origin: germline.
Comment: This variant is classified as likely benign based on ACMG/AMP sequence variant interpretation guidelines (Richards et al. 2015 PMID: 25741868, with internal and published modifications).

NM_033629.6(TREX1):c.825A>G (p.Pro275=)

Genes: ATRIP (ATR interacting protein; plus strand), ATRIP-TREX1 (ATRIP-TREX1 readthrough; plus strand), TREX1 (three prime repair exonuclease 1; plus strand). Cytogenetic location: 3p21.31.
Variant type: single nucleotide variant.
Coding change: c.825A>G on transcript NM_033629.6 (MANE Select); coding-DNA position 825, A replaced by G.
Protein change: p.Pro275=; no amino-acid change (proline 275 retained).
Molecular consequence: synonymous variant. On other transcripts: non-coding transcript variant (1), 3 prime UTR variant (4).
Genome position (GRCh38, 1-based): chr3:48,467,480, A>G. VCF-style: chr3-48467480-A-G. GRCh37 (hg19) VCF-style: chr3-48508879-A-G.
Other names: c.795A>G, p.Pro265= (NM_007248.5); c.*1926A>G (NM_001271022.2, NM_001271023.2, NM_032166.4 and 1 more transcripts).
Identifiers: ClinVar variation 4995071 (VCV004995071.1).
Genomic context (GRCh38, chr3:48,467,480, plus strand): 5'-CACAACCAGGAACACTAGTCCCAGCCTTGGAGAGAGCAGGGGTACCAAGGATCTTCCTCC[A>G]GTGAAGGACCCTGGAGCCCTATCCAGGGAGGGGCTGCTGGCCCCACTGGGTCTGCTGGCC-3'
Protein context (NP_338599.1, residues 265-285): GESRGTKDLP[Pro275=]VKDPGALSRE